The following is an entry in ClinVar:

ClinVar aggregate classification (germline): Conflicting classifications of pathogenicity. Review status: criteria provided, conflicting classifications (1 of 4 stars). 3 submissions from 3 submitters: Likely pathogenic (2); Uncertain significance (1). Last evaluated 2024-02-07.

Conditions:
Leukodystrophy, hypomyelinating, 2. Also called: PELIZAEUS-MERZBACHER-LIKE DISEASE, 1. Identifiers: Orphanet 280270, Orphanet 280282, MedGen C1837355, MONDO:0012125, OMIM 608804.
Spastic paraplegia. Identifiers: MedGen C0037772, HP:0001258.

Allele frequency attached by ClinVar (database versions not stated): gnomAD exomes below 0.00001; gnomAD 0.00001 and 0.00002; TOPMed 0.00003.
gnomAD v4.1: 5 of 1,612,342 alleles (0.00031%); highest among the groups gnomAD compares: African/African-American, 0.004%; no homozygotes.

Submissions (3):

Labcorp Genetics (formerly Invitae), Labcorp
Classification: Uncertain significance for Spastic paraplegia. Last evaluated: 2024-02-07. Review status: criteria provided, single submitter. Criteria: Invitae Variant Classification Sherloc (09022015). Collection method: clinical testing. Allele origin: germline.
Comment: This sequence change replaces proline, which is neutral and non-polar, with threonine, which is neutral and polar, at codon 73 of the GJC2 protein (p.Pro73Thr). This variant is not present in population databases (gnomAD no frequency). This missense change has been observed in individual(s) with clinical features of autosomal recessive hereditary spastic paraplegia (Invitae). ClinVar contains an entry for this variant (Variation ID: 801628). Advanced modeling of protein sequence and biophysical properties (such as structural, functional, and spatial information, amino acid conservation, physicochemical variation, residue mobility, and thermodynamic stability) has been performed at Invitae for this missense variant, however the output from this modeling did not meet the statistical confidence thresholds required to predict the impact of this variant on GJC2 protein function. In summary, the available evidence is currently insufficient to determine the role of this variant in disease. Therefore, it has been classified as a Variant of Uncertain Significance.

Molecular Diagnostics Lab, Nemours Children's Health, Delaware
Classification: Likely pathogenic for Leukodystrophy, hypomyelinating, 2. Last evaluated: 2021-04-16. Review status: criteria provided, single submitter. Criteria: ACMG Guidelines, 2015. Collection method: clinical testing. Allele origin: unknown. Inheritance: Autosomal recessive inheritance. Affected: yes. Observed: 2 compound heterozygotes.
Comment: This missense variant (c.217C>A, p.Pro73Thr) has not been observed in population databases (gnomAD) and the change has not been reported in the literature. Variant prediction programs suggest a deleterious effect, but no functional studis have been published.

Mendelics
Classification: Likely pathogenic for Leukodystrophy, hypomyelinating, 2. Last evaluated: 2019-05-28. Review status: criteria provided, single submitter. Criteria: Mendelics Assertion Criteria 2017. Collection method: clinical testing. Allele origin: unknown.

NM_020435.4(GJC2):c.217C>A (p.Pro73Thr)

Gene: GJC2 (gap junction protein gamma 2; plus strand). Cytogenetic location: 1q42.13.
Variant type: single nucleotide variant.
Coding change: c.217C>A on transcript NM_020435.4 (MANE Select); coding-DNA position 217, C replaced by A.
Protein change: p.Pro73Thr; replaces proline 73 with threonine.
Molecular consequence: missense variant.
Genome position (GRCh38, 1-based): chr1:228,157,975, C>A. VCF-style: chr1-228157975-C-A. GRCh37 (hg19) VCF-style: chr1-228345676-C-A.
Other names: c.217C>A (NM_020435.3); short protein forms P73T.
Identifiers: ClinVar variation 801628 (VCV000801628.7), dbSNP rs1330596542, ClinGen allele CA345097155.